The following is an entry in ClinVar:

NM_017757.3(ZNF407):c.4877+22487G>A

Gene: ZNF407 (zinc finger protein 407; plus strand). Cytogenetic location: 18q22.3.
Variant type: single nucleotide variant.
Coding change: c.4877+22487G>A on transcript NM_017757.3 (MANE Select); 22487 bases into the intron after coding-DNA position 4877, G replaced by A.
Molecular consequence: intron variant. On other transcripts: missense variant (1).
Genome position (GRCh38, 1-based): chr18:74,803,989, G>A. VCF-style: chr18-74803989-G-A. GRCh37 (hg19) VCF-style: chr18-72515945-G-A.
Other names: c.4903G>A, p.Gly1635Arg (NM_001146190.1); c.4877+22487G>A (NM_001384475.1, NM_001146189.1); short protein forms G1635R.
Identifiers: ClinVar variation 3045370 (VCV003045370.2), dbSNP rs200042357, ClinGen allele CA9000960.

ClinVar aggregate classification (germline): Benign (0 of 4 stars; one submission).

Conditions:
ZNF407-related disorder. Also called: ZNF407-related condition.

Allele frequency attached by ClinVar (database versions not stated): gnomAD exomes 0.00029; TOPMed 0.00034; gnomAD 0.00037; ESP Exome Variant Server 0.00044; ExAC 0.00117.
gnomAD v4.1: 491 of 1,551,736 alleles (0.032%); highest among the groups gnomAD compares: Middle Eastern, 0.067%; 2 homozygotes.

Submission:

PreventionGenetics, part of Exact Sciences
Classification: Benign for ZNF407-related condition. Last evaluated: 2019-11-11. Review status: no assertion criteria provided. Collection method: clinical testing. Allele origin: germline.
Comment: This variant is classified as benign based on ACMG/AMP sequence variant interpretation guidelines (Richards et al. 2015 PMID: 25741868, with internal and published modifications).